The following is an entry in ClinVar:

ClinVar aggregate classification (germline): Uncertain significance (1 of 4 stars; one submission).

Allele frequency attached by ClinVar (database versions not stated): ExAC 0.00002; gnomAD exomes 0.00003; TOPMed 0.00004; gnomAD 0.00005; ESP Exome Variant Server 0.00017.
gnomAD v4.1: 53 of 1,613,802 alleles (0.0033%); highest among the groups gnomAD compares: African/African-American, 0.015%; 1 homozygote.

Submission:

Labcorp Genetics (formerly Invitae), Labcorp
Classification: Uncertain significance. Last evaluated: 2023-12-11. Review status: criteria provided, single submitter. Criteria: Invitae Variant Classification Sherloc (09022015). Collection method: clinical testing. Allele origin: germline.
Comment: This sequence change replaces alanine, which is neutral and non-polar, with valine, which is neutral and non-polar, at codon 1470 of the FAT1 protein (p.Ala1470Val). This variant is present in population databases (rs371598532, gnomAD 0.04%). This variant has not been reported in the literature in individuals affected with FAT1-related conditions. Advanced modeling of protein sequence and biophysical properties (such as structural, functional, and spatial information, amino acid conservation, physicochemical variation, residue mobility, and thermodynamic stability) performed at Invitae indicates that this missense variant is not expected to disrupt FAT1 protein function with a negative predictive value of 80%. In summary, the available evidence is currently insufficient to determine the role of this variant in disease. Therefore, it has been classified as a Variant of Uncertain Significance.

NM_005245.4(FAT1):c.4409C>T (p.Ala1470Val)

Gene: FAT1 (FAT atypical cadherin 1; minus strand). Cytogenetic location: 4q35.2.
Variant type: single nucleotide variant.
Coding change: c.4409C>T on transcript NM_005245.4 (MANE Select); coding-DNA position 4409, C replaced by T.
Protein change: p.Ala1470Val; replaces alanine 1470 with valine.
Molecular consequence: missense variant.
Genome position (GRCh38, 1-based): chr4:186,628,678, G>A on the plus strand (C>T on the coding strand, the complement: FAT1 is on the minus strand). VCF-style: chr4-186628678-G-A. GRCh37 (hg19) VCF-style: chr4-187549832-G-A.
Other names: short protein forms A1470V.
Identifiers: ClinVar variation 2898271 (VCV002898271.2), dbSNP rs371598532, ClinGen allele CA3166719.